The following is an entry in ClinVar:

NM_004409.5(DMPK):c.*224CTG[364]

Genes: DM1-AS (DM1 locus antisense RNA; plus strand), DMPK (DM1 protein kinase; minus strand), LOC107075317 (origin of replication in DMPK trinucleotide repeat region; plus strand), LOC109461477 (dystrophia myotonica protein kinase repeat instability region; plus strand). Cytogenetic location: 19q13.32.
Variant type: Microsatellite.
Coding change: c.*224CTG[364] on transcript NM_004409.5 (MANE Select); 364 copies in a row of the 3-base unit CTG starting at c.*224.
Molecular consequence: 3 prime UTR variant.
Genome position: GRCh38, VCF-style position (the base before the change): chr19:45,770,204. GRCh37 (hg19), VCF-style position (the base before the change): chr19:46,273,462.
Other names: DM1 CTG repeat expansion; c.*224CTG[364] (NM_001081560.3, NM_001288764.2, NM_001424165.1 and 1 more transcripts); c.*217CTG[364] (NM_001081562.3, NM_001288765.2, NM_001424162.1 and 2 more transcripts); c.*222_*224TGC[364] (NM_001081563.3); c.*369CTG[364] (NM_001288766.2, NM_001424164.1, NM_001424168.1).
Identifiers: ClinVar variation 187967 (VCV000187967.1), ClinGen allele CA915951776.

ClinVar aggregate classification (germline): Pathogenic (0 of 4 stars; one submission).

Conditions:
Steinert myotonic dystrophy syndrome (DM1). Also called: STEINERT DISEASE; Myotonic dystrophy type 1; Dystrophia myotonica type 1; Steinert myotonic dystrophy; Steinert's disease. Identifiers: Orphanet 273, MedGen C3250443, MONDO:0008056, OMIM 160900.

Submission:

Institute of Molecular, Cell and Systems Biology, University of Glasgow
Classification: Pathogenic for Steinert myotonic dystrophy syndrome. Review status: no assertion criteria provided. Criteria: research. Collection method: research. Allele origin: germline. Inheritance: Autosomal dominant inheritance. Affected: yes. Observed: 1 heterozygote.
Comment: DMPK CTG repeat expansions greater than approximately 45-50 repeats are assumed to be pathogenic

This record is based on data published in PubMed 25052313, which reports only ClinVar accessions SCV000120188 and SCV000120189. The complete data set includes SCV000207445 - SCV000207579.

Literature cited by the submitters: PubMed 1346923; PubMed 1546326; PubMed 25052313.